The following is an entry in ClinVar:

NM_213599.3(ANO5):c.2039T>C (p.Phe680Ser)

Gene: ANO5 (anoctamin 5; plus strand). Cytogenetic location: 11p14.3.
Variant type: single nucleotide variant.
Coding change: c.2039T>C on transcript NM_213599.3 (MANE Select); coding-DNA position 2039, T replaced by C.
Protein change: p.Phe680Ser; replaces phenylalanine 680 with serine.
Molecular consequence: missense variant.
Genome position (GRCh38, 1-based): chr11:22,272,793, T>C. VCF-style: chr11-22272793-T-C. GRCh37 (hg19) VCF-style: chr11-22294339-T-C.
Other names: c.2039T>C (NM_213599.2); c.2036T>C, p.Phe679Ser (NM_001142649.2); short protein forms F680S, F679S.
Identifiers: ClinVar variation 498188 (VCV000498188.17), dbSNP rs777640863, ClinGen allele CA5923449.

ClinVar aggregate classification (germline): Uncertain significance. Review status: criteria provided, multiple submitters, no conflicts (2 of 4 stars). 5 submissions from 5 submitters: Uncertain significance (5). Last evaluated 2025-05-16.

Conditions:
Gnathodiaphyseal dysplasia (GDD). Also called: OSTEOGENESIS IMPERFECTA WITH UNUSUAL SKELETAL LESIONS; GNATHODIAPHYSEAL SCLEROSIS. Identifiers: Orphanet 53697, MedGen C1833736, MONDO:0008151, OMIM 166260.
Autosomal recessive limb-girdle muscular dystrophy type 2L (LGMDR12). Also called: Limb-girdle muscular dystrophy, type 2L; Limb-Girdle Muscular Dystrophy R12 Anoctamin-5-Related (LGMD-R12); MUSCULAR DYSTROPHY, LIMB-GIRDLE, AUTOSOMAL RECESSIVE 12. Identifiers: Orphanet 206549, MedGen C1969785, MONDO:0012652, OMIM 611307.
Inborn genetic diseases. Identifiers: MedGen C0950123, MeSH D030342.

Allele frequency attached by ClinVar (database versions not stated): gnomAD 0.00002 and 0.00003; TOPMed 0.00002.
gnomAD v4.1: 4 of 1,613,692 alleles (0.00025%); highest among the groups gnomAD compares: African/African-American, 0.0053%; no homozygotes.

Submissions (5):

Labcorp Genetics (formerly Invitae), Labcorp
Classification: Uncertain significance for Autosomal recessive limb-girdle muscular dystrophy type 2L; Gnathodiaphyseal dysplasia. Last evaluated: 2025-05-16. Review status: criteria provided, single submitter. Criteria: Invitae Variant Classification Sherloc (09022015). Collection method: clinical testing. Allele origin: germline.
Comment: This sequence change replaces phenylalanine, which is neutral and non-polar, with serine, which is neutral and polar, at codon 680 of the ANO5 protein (p.Phe680Ser). This variant is present in population databases (rs777640863, gnomAD 0.008%). This variant has not been reported in the literature in individuals affected with ANO5-related conditions. ClinVar contains an entry for this variant (Variation ID: 498188). Invitae Evidence Modeling of protein sequence and biophysical properties (such as structural, functional, and spatial information, amino acid conservation, physicochemical variation, residue mobility, and thermodynamic stability) indicates that this missense variant is expected to disrupt ANO5 protein function with a positive predictive value of 95%. In summary, the available evidence is currently insufficient to determine the role of this variant in disease. Therefore, it has been classified as a Variant of Uncertain Significance.

Ambry Genetics
Classification: Uncertain significance for Inborn genetic diseases. Last evaluated: 2025-04-11. Review status: criteria provided, single submitter. Criteria: Ambry Variant Classification Scheme 2023. Collection method: clinical testing. Allele origin: germline.

GeneDx
Classification: Uncertain significance. Last evaluated: 2024-03-10. Review status: criteria provided, single submitter. Criteria: GeneDx Variant Classification Process June 2021. Collection method: clinical testing. Allele origin: germline. Affected: yes.
Comment: Not observed at significant frequency in large population cohorts (gnomAD); In silico analysis supports that this missense variant has a deleterious effect on protein structure/function; Has not been previously published as pathogenic or benign to our knowledge; This variant is associated with the following publications: (PMID: 30564623)

Revvity Omics, Revvity
Classification: Uncertain significance. Last evaluated: 2023-03-29. Review status: criteria provided, single submitter. Criteria: ACMG Guidelines, 2015. Collection method: clinical testing. Allele origin: germline.

Eurofins Ntd Llc (ga)
Classification: Uncertain significance. Last evaluated: 2016-10-31. Review status: criteria provided, single submitter. Criteria: EGL Classification Definitions 2015. Collection method: clinical testing. Allele origin: germline. Observed: 1 variant allele, 1 heterozygote.